The following is an entry in ClinVar:

NM_015443.4(KANSL1):c.1783C>G (p.Pro595Ala)

Gene: KANSL1 (KAT8 regulatory NSL complex subunit 1). Cytogenetic location: 17q21.31.
Variant type: single nucleotide variant.
Coding change: c.1783C>G on transcript NM_015443.4 (MANE Select); coding-DNA position 1783, C replaced by G.
Protein change: p.Pro595Ala; replaces proline 595 with alanine.
Molecular consequence: missense variant.
Genome position (GRCh38, 1-based): chr17:46,066,602, G>C on the plus strand (C>G on the coding strand, the complement: KANSL1 is on the minus strand). VCF-style: chr17-46066602-G-C. GRCh37 (hg19) VCF-style: chr17-44143968-G-C.
Other names: c.1783C>G, p.Pro595Ala (NM_001193465.2, NM_001193466.2, NM_001379198.1); short protein forms P595A.
Identifiers: ClinVar variation 597666 (VCV000597666.17), dbSNP rs947698008, ClinGen allele CA291125567.

ClinVar aggregate classification (germline): Uncertain significance. Review status: criteria provided, multiple submitters, no conflicts (2 of 4 stars). 6 submissions from 6 submitters: Uncertain significance (6). Last evaluated 2025-11-08.

Conditions:
Inborn genetic diseases. Identifiers: MedGen C0950123, MeSH D030342.
Koolen-de Vries syndrome (KDVS). Identifiers: Orphanet 96169, MedGen C1864871, MONDO:0012496, OMIM 610443.
KANSL1-related disorder. Also called: KANSL1-related condition.

Allele frequency attached by ClinVar (database versions not stated): gnomAD 0.00001; TOPMed 0.00001; gnomAD exomes 0.00002.
gnomAD v4.1: 38 of 1,614,030 alleles (0.0024%); highest among the groups gnomAD compares: Non-Finnish European, 0.0031%; no homozygotes.

Submissions (6):

Ambry Genetics
Classification: Uncertain significance for Inborn genetic diseases. Last evaluated: 2025-11-08. Review status: criteria provided, single submitter. Criteria: Ambry Variant Classification Scheme 2023. Collection method: clinical testing. Allele origin: germline.

Labcorp Genetics (formerly Invitae), Labcorp
Classification: Uncertain significance for Koolen-de Vries syndrome. Last evaluated: 2024-05-18. Review status: criteria provided, single submitter. Criteria: Invitae Variant Classification Sherloc (09022015). Collection method: clinical testing. Allele origin: germline.
Comment: This sequence change replaces proline, which is neutral and non-polar, with alanine, which is neutral and non-polar, at codon 595 of the KANSL1 protein (p.Pro595Ala). This variant is not present in population databases (gnomAD no frequency). This variant has not been reported in the literature in individuals affected with KANSL1-related conditions. ClinVar contains an entry for this variant (Variation ID: 597666). Advanced modeling of protein sequence and biophysical properties (such as structural, functional, and spatial information, amino acid conservation, physicochemical variation, residue mobility, and thermodynamic stability) performed at Invitae indicates that this missense variant is expected to disrupt KANSL1 protein function with a positive predictive value of 80%. In summary, the available evidence is currently insufficient to determine the role of this variant in disease. Therefore, it has been classified as a Variant of Uncertain Significance.

PreventionGenetics, part of Exact Sciences
Classification: Uncertain significance for KANSL1-related condition. Last evaluated: 2023-03-20. Review status: criteria provided, single submitter. Criteria: ACMG Guidelines, 2015. Collection method: clinical testing. Allele origin: germline.
Comment: The KANSL1 c.1783C>G variant is predicted to result in the amino acid substitution p.Pro595Ala. To our knowledge, this variant has not been reported in the literature or in a large population database, indicating this variant is rare. At this time, the clinical significance of this variant is uncertain due to the absence of conclusive functional and genetic evidence.

Fulgent Genetics
Classification: Uncertain significance for Koolen-de Vries syndrome. Last evaluated: 2022-02-04. Review status: criteria provided, single submitter. Criteria: ACMG Guidelines, 2015. Collection method: clinical testing. Allele origin: unknown.

Baylor Genetics
Classification: Uncertain significance for Koolen-de Vries syndrome. Last evaluated: 2019-03-04. Review status: criteria provided, single submitter. Criteria: ACMG Guidelines, 2015. Collection method: clinical testing. Allele origin: paternal. Affected: yes.
Comment: This variant was determined to be of uncertain significance according to ACMG Guidelines, 2015 [PMID:25741868].

Eurofins Ntd Llc (ga)
Classification: Uncertain significance. Last evaluated: 2018-06-13. Review status: criteria provided, single submitter. Criteria: EGL ClinVar v180209 classification definitions. Collection method: clinical testing. Allele origin: germline. Observed: 1 variant allele, 1 heterozygote.